The following is an entry in ClinVar:

ClinVar aggregate classification (germline): Uncertain significance. Review status: criteria provided, multiple submitters, no conflicts (2 of 4 stars). 3 submissions from 3 submitters: Uncertain significance (2). 1 of the submissions does not count toward it. Last evaluated 2021-08-31.

Conditions:
Retinitis pigmentosa 25 (RP25). Identifiers: Orphanet 791, MedGen C1864446, MONDO:0011272, OMIM 602772.

Allele frequency attached by ClinVar (database versions not stated): gnomAD exomes below 0.00001.
gnomAD v4.1: 1 of 1,549,284 alleles (0.000065%); highest among the groups gnomAD compares: Non-Finnish European, 0.000087%; no homozygotes.

Submissions (3):

Labcorp Genetics (formerly Invitae), Labcorp
Classification: Uncertain significance. Last evaluated: 2021-08-31. Review status: criteria provided, single submitter. Criteria: Invitae Variant Classification Sherloc (09022015). Collection method: clinical testing. Allele origin: germline.
Comment: This sequence change replaces proline with alanine at codon 2072 of the EYS protein (p.Pro2072Ala). The proline residue is weakly conserved and there is a small physicochemical difference between proline and alanine. This variant is not present in population databases (ExAC no frequency). This variant has not been reported in the literature in individuals affected with EYS-related conditions. Algorithms developed to predict the effect of missense changes on protein structure and function output the following: SIFT: "Tolerated"; PolyPhen-2: "Benign"; Align-GVGD: "Class C0". The alanine amino acid residue is found in multiple mammalian species, which suggests that this missense change does not adversely affect protein function. In summary, the available evidence is currently insufficient to determine the role of this variant in disease. Therefore, it has been classified as a Variant of Uncertain Significance.

Blueprint Genetics
Classification: Uncertain significance. Last evaluated: 2019-05-20. Review status: criteria provided, single submitter. Criteria: ACMG Guidelines, 2015. Collection method: clinical testing. Allele origin: germline.

Natera, Inc.
Classification: Uncertain significance for Retinitis pigmentosa type 25. Last evaluated: 2021-03-04. Review status: no assertion criteria provided. Collection method: clinical testing. Allele origin: germline. Not counted in ClinVar's aggregate classification.

NM_001142800.2(EYS):c.6214C>G (p.Pro2072Ala)

Gene: EYS (EGF-like photoreceptor maintenance factor; minus strand). Cytogenetic location: 6q12.
Variant type: single nucleotide variant.
Coding change: c.6214C>G on transcript NM_001142800.2 (MANE Select); coding-DNA position 6214, C replaced by G.
Protein change: p.Pro2072Ala; replaces proline 2072 with alanine.
Molecular consequence: missense variant.
Genome position (GRCh38, 1-based): chr6:64,230,802, G>C on the plus strand (C>G on the coding strand, the complement: EYS is on the minus strand). VCF-style: chr6-64230802-G-C. GRCh37 (hg19) VCF-style: chr6-64940695-G-C.
Other names: c.6214C>G, p.Pro2072Ala (NM_001292009.2); short protein forms P2072A.
Identifiers: ClinVar variation 1025104 (VCV001025104.8), dbSNP rs1766405253, ClinGen allele CA364391598.